The following is an entry in ClinVar:

ClinVar aggregate classification (germline): Uncertain significance. Review status: criteria provided, multiple submitters, no conflicts (2 of 4 stars). 2 submissions from 2 submitters: Uncertain significance (2). Last evaluated 2026-07-07.

Conditions:
Autosomal recessive Alport syndrome (ATS2). Also called: COL4A4 Alport Syndrome and Thin Basement Membrane Nephropathy; ALPORT SYNDROME 2, AUTOSOMAL RECESSIVE; Alport syndrome type 2; COL4A3-Related Nephropathy. Identifiers: Orphanet 63, Orphanet 88919, MedGen C4746745, MONDO:0008762, OMIM 203780.

Submissions (2):

Medgenome Labs Ltd
Classification: Uncertain significance for Autosomal recessive Alport syndrome. Last evaluated: 2026-07-07. Review status: criteria provided, single submitter. Criteria: ACMG Guidelines, 2015. Collection method: clinical testing. Allele origin: germline. Affected: yes.

Kasturba Medical College, Manipal, Kasturba Medical College, Manipal, Manipal Academy of Higher Education, Manipal, India
Classification: Uncertain significance for Autosomal recessive Alport syndrome. Last evaluated: 2024-07-13. Review status: criteria provided, single submitter. Criteria: ACMG Guidelines, 2015. Collection method: clinical testing. Allele origin: germline. Inheritance: Autosomal recessive inheritance. Affected: yes. Observed: 1 homozygote.
Comment: Based on the in silico prediction tools (SpliceAI: 0.40 acceptor loss and 0.33 donor loss scores; Human Splicing Finder: activation of a new cryptic donor site and acceptor site), this variant is predicted to cause aberrant splicing which may either lead to nonsense-mediated mRNA decay of the transcript or formation of a truncated protein.

NM_000092.5(COL4A4):c.4217-8_4217-7del

Gene: COL4A4 (collagen type IV alpha 4 chain; minus strand). Cytogenetic location: 2q36.3.
Variant type: Deletion.
Coding change: c.4217-8_4217-7del on transcript NM_000092.5 (MANE Select); 8 bases into the intron before coding-DNA position 4217 through 7 bases into the intron before coding-DNA position 4217, 2 bases deleted (TT; older notation c.4217-8_4217-7delTT).
Molecular consequence: intron variant.
Genome position (GRCh38, 1-based): chr2:227,012,304-227,012,305, AA deleted on the plus strand (TT on the coding strand, the reverse complement: COL4A4 is on the minus strand); deleting any 2 consecutive bases within chr2:227,012,304-227,012,307 gives the same sequence; the c. name uses the placement nearest the transcript's 3' end. VCF-style (leftmost placement, unchanged base first): chr2-227012303-CAA-C. GRCh37 (hg19) VCF-style: chr2-227877019-CAA-C.
Identifiers: ClinVar variation 3256719 (VCV003256719.3).